The following is an entry in ClinVar:

ClinVar aggregate classification (germline): Uncertain significance (1 of 4 stars; one submission).

Submission:

Labcorp Genetics (formerly Invitae), Labcorp
Classification: Uncertain significance. Last evaluated: 2023-09-09. Review status: criteria provided, single submitter. Criteria: Invitae Variant Classification Sherloc (09022015). Collection method: clinical testing. Allele origin: germline.
Comment: In summary, the available evidence is currently insufficient to determine the role of this variant in disease. Therefore, it has been classified as a Variant of Uncertain Significance. This variant is not present in population databases (gnomAD no frequency). This variant has not been reported in the literature in individuals affected with NLRP1-related conditions. Algorithms developed to predict the effect of missense changes on protein structure and function output the following: SIFT: "Not Available"; PolyPhen-2: "Benign"; Align-GVGD: "Not Available". The aspartic acid amino acid residue is found in multiple mammalian species, which suggests that this missense change does not adversely affect protein function. This sequence change replaces alanine, which is neutral and non-polar, with aspartic acid, which is acidic and polar, at codon 201 of the NLRP1 protein (p.Ala201Asp).

NM_033004.4(NLRP1):c.602C>A (p.Ala201Asp)

Gene: NLRP1 (NLR family pyrin domain containing 1; minus strand). Cytogenetic location: 17p13.2.
Variant type: single nucleotide variant.
Coding change: c.602C>A on transcript NM_033004.4 (MANE Select); coding-DNA position 602, C replaced by A.
Protein change: p.Ala201Asp; replaces alanine 201 with aspartic acid.
Molecular consequence: missense variant.
Genome position (GRCh38, 1-based): chr17:5,581,909, G>T on the plus strand (C>A on the coding strand, the complement: NLRP1 is on the minus strand). VCF-style: chr17-5581909-G-T. GRCh37 (hg19) VCF-style: chr17-5485229-G-T.
Other names: c.602C>A, p.Ala201Asp (NM_001033053.3, NM_014922.5, NM_033006.4 and 1 more transcripts); short protein forms A201D.
Identifiers: ClinVar variation 2759412 (VCV002759412.3), dbSNP rs749975060, ClinGen allele CA397389628.